The following is an entry in ClinVar:

ClinVar aggregate classification (germline): Likely pathogenic. Review status: reviewed by expert panel (3 of 4 stars). 3 submissions from 3 submitters: Likely pathogenic (1). 2 of the submissions do not count toward it. Last evaluated 2025-02-25.
ClinVar aggregate classification (oncogenicity): Uncertain significance (1 of 4 stars; one submission).

Conditions:
DICER1-related tumor predisposition. Also called: DICER1-related pleuropulmonary blastoma cancer predisposition syndrome; DICER1 syndrome. Identifiers: Orphanet 284343, MedGen C3839822, MONDO:0100216.
Hereditary cancer-predisposing syndrome. Also called: Tumor predisposition; Hereditary neoplastic syndrome; Neoplastic Syndromes, Hereditary; Hereditary Cancer Syndrome. Identifiers: Orphanet 140162, MedGen C0027672, MeSH D009386, MONDO:0015356.
Neoplasm. Also called: Neoplasms; Neoplasm (disease); tumor. Identifiers: MedGen C0027651, MeSH D009369, MONDO:0005070, HP:0002664.

Submissions (4):

ClinGen DICER1 and miRNA-Processing Gene Variant Curation Expert Panel, ClinGen
Classification: Likely pathogenic for DICER1-related tumor predisposition. Last evaluated: 2025-02-25. Review status: reviewed by expert panel. Criteria: ClinGen DICER1 ACMG Specifications DICER1 V1.3.0. Collection method: curation. Allele origin: germline. Inheritance: Autosomal dominant inheritance.
Comment: The NM_177438.3:c.2257-7A>G variant in DICER1 is an intronic variant which in intron 14/26. This variant received a total of 1.5 phenotype points across 2 unrelated probands, meeting DICER1 VCEP phenotype specificity scoring criteria of 1-1.5 points (PS4_Supporting; PMIDs, Internal lab contributors). At least one patient with this variant was found to have a somatic second hit in a recognized DICER1 hotspot codon on tumor sequencing, which is highly specific for DICER1-related tumor predisposition (PP4, Internal lab contributors). This variant is absent from gnomAD v4.1.0 (PM2_Supporting). Sequencing of RNA from patients showed an out-of-frame impact on splicing, indicating that this variant impacts protein function (PS3; PMIDs, Internal lab contributors). The splice site predictors MaxEntScan and SpliceAI indicate that the variant impacts splicing, evidence that correlates with impact to DICER1 function (PP3). In summary, this variant meets the criteria to be classified as Likely Pathogenic for DICER1-related tumor predisposition based on the ACMG/AMP criteria applied, as specified by the ClinGen DICER1 VCEP: PS4_Supporting, PP4, PM2_Supporting, PS3, PP3. (Bayesian Points: 8; VCEP specifications version 1.3.0; 02/25/2025)

Center for Genomic Medicine, Rigshospitalet, Copenhagen University Hospital
Classification: Uncertain significance for Neoplasm. Last evaluated: 2025-12-29. Review status: criteria provided, single submitter. Criteria: ClinGen/CGC/VICC Guidelines for Oncogenicity, 2022. Collection method: clinical testing. Allele origin: somatic. Affected: yes.

Ambry Genetics
Classification: Likely pathogenic for Hereditary cancer-predisposing syndrome. Last evaluated: 2024-12-09. Review status: criteria provided, single submitter. Criteria: Ambry Variant Classification Scheme 2023. Collection method: clinical testing. Allele origin: germline. Not counted in ClinVar's aggregate classification.
Comment: The c.2257-7A>G intronic variant results from an A to G substitution 7 nucleotides before coding exon 14 in the DICER1 gene. This alteration has been observed in at least one individual with a personal and/or family history that is consistent with DICER1-related disease (Ambry internal data). This nucleotide position is not well conserved in available vertebrate species. In silico splice site analysis predicts that this alteration will weaken the native splice acceptor site and will result in the creation or strengthening of a novel splice acceptor site. RNA studies have demonstrated that this alteration results in abnormal splicing in the set of samples tested (Ambry internal data). Based on the majority of available evidence to date, this variant is likely to be pathogenic.

Foulkes Cancer Genetics LDI, Lady Davis Institute for Medical Research
Classification: Uncertain significance. Last evaluated: 2019-07-01. Review status: criteria provided, single submitter. Criteria: ACMG Guidelines, 2015. Collection method: curation. Allele origin: germline. Affected: yes. Observed: 1 variant allele. Not counted in ClinVar's aggregate classification.
Comment: ACMG criteria met: PM2, PP3

Literature cited by the submitters: PubMed 28524158 (cited by 3 submitters).

NM_177438.3(DICER1):c.2257-7A>G

Gene: DICER1 (dicer 1, ribonuclease III; minus strand). Cytogenetic location: 14q32.13.
Variant type: single nucleotide variant.
Coding change: c.2257-7A>G on transcript NM_177438.3 (MANE Select); 7 bases into the intron before coding-DNA position 2257, A replaced by G.
Molecular consequence: intron variant.
Genome position (GRCh38, 1-based): chr14:95,108,510, T>C on the plus strand (A>G on the coding strand, the complement: DICER1 is on the minus strand). VCF-style: chr14-95108510-T-C. GRCh37 (hg19) VCF-style: chr14-95574847-T-C.
Other names: c.2257-7A>G (NM_001291628.2, NM_030621.4, NM_001271282.3 and 1 more transcripts).
Identifiers: ClinVar variation 933010 (VCV000933010.9), dbSNP rs1891665514, ClinGen allele CA1139663662.
Genomic context (GRCh38, chr14:95,108,510, plus strand): 5'-CAGGTAACAGGGCTGATCAGGTCTGGGATAACTATCCCTCAAACACTCTGGAATCTAGAG[T>C]TGGAAAGGAAAATTAAGCGTCATGCTCAAGCATATTAGCCTCTTTTCCAGATGTCAGCAA-3'